The following is an entry in ClinVar:

NM_000278.5(PAX2):c.99del (p.Asp35fs)

Gene: PAX2 (paired box 2; plus strand). Cytogenetic location: 10q24.31.
Variant type: Deletion.
Coding change: c.99del on transcript NM_000278.5 (MANE Select); coding-DNA position 99, one base deleted (A; older notation c.99delA).
Protein change: p.Asp35fs; shifts the reading frame from aspartic acid 35.
Molecular consequence: frameshift variant.
Genome position (GRCh38, 1-based): chr10:100,749,801, A deleted. VCF-style (leftmost placement, unchanged base first): chr10-100749800-TA-T. GRCh37 (hg19) VCF-style: chr10-102509557-TA-T.
Other names: c.192del, p.Asp66fs (NM_001304569.2); c.99del, p.Asp35fs (NM_003987.5, NM_003988.5, NM_003989.5 and 1 more transcripts); short protein forms D35fs, D66fs.
Identifiers: ClinVar variation 4887991 (VCV004887991.1).
Genomic context (GRCh38, chr10:100,749,800, plus strand): 5'-CCCCAGCAGGGCACGGGGGTGTGAACCAGCTCGGGGGGGTGTTTGTGAACGGCCGGCCCC[TA>T]CCCGACGTGGTGAGGCAGCGCATCGTGGAGCTGGCCCACCAGGGTGTGCGGCCCTGTGAC-3'

ClinVar aggregate classification (germline): Pathogenic (1 of 4 stars; one submission).

Conditions:
Structural eye disease.

Submission:

North West Genomic Laboratory Hub, Manchester University NHS Foundation Trust
Classification: Pathogenic for Structural eye disease. Last evaluated: 2026-03-09. Review status: criteria provided, single submitter. Criteria: ACGS Best Practice Guidelines for Variant Classification in Rare Disease 2024. Collection method: clinical testing. Allele origin: germline. Affected: yes.
Comment: PVS1_VStr PM2_Mod